The following is an entry in ClinVar:

ClinVar aggregate classification (germline): Uncertain significance (1 of 4 stars; one submission).

gnomAD v4.1: 8 of 1,595,688 alleles (0.0005%); highest among the groups gnomAD compares: African/African-American, 0.0094%; no homozygotes.

Submission:

Labcorp Genetics (formerly Invitae), Labcorp
Classification: Uncertain significance. Last evaluated: 2024-08-20. Review status: criteria provided, single submitter. Criteria: Invitae Variant Classification Sherloc (09022015). Collection method: clinical testing. Allele origin: germline.
Comment: This sequence change replaces serine, which is neutral and polar, with proline, which is neutral and non-polar, at codon 40 of the IFITM5 protein (p.Ser40Pro). The frequency data for this variant in the population databases is considered unreliable, as metrics indicate poor data quality at this position in the gnomAD database. This variant has not been reported in the literature in individuals affected with IFITM5-related conditions. An algorithm developed to predict the effect of missense changes on protein structure and function (PolyPhen-2) suggests that this variant is likely to be disruptive. This variant disrupts the p.Ser40 amino acid residue in IFITM5. Other variant(s) that disrupt this residue have been determined to be pathogenic (PMID: 30985308, 34567078). This suggests that this residue is clinically significant, and that variants that disrupt this residue are likely to be disease-causing. In summary, the available evidence is currently insufficient to determine the role of this variant in disease. Therefore, it has been classified as a Variant of Uncertain Significance.

Literature cited by the submitters: PubMed 30985308; PubMed 34567078.

NM_001025295.3(IFITM5):c.118T>C (p.Ser40Pro)

Gene: IFITM5 (interferon induced transmembrane protein 5; minus strand). Cytogenetic location: 11p15.5.
Variant type: single nucleotide variant.
Coding change: c.118T>C on transcript NM_001025295.3 (MANE Select); coding-DNA position 118, T replaced by C.
Protein change: p.Ser40Pro; replaces serine 40 with proline.
Molecular consequence: missense variant.
Genome position (GRCh38, 1-based): chr11:299,373, A>G on the plus strand (T>C on the coding strand, the complement: IFITM5 is on the minus strand). VCF-style: chr11-299373-A-G. GRCh37 (hg19) VCF-style: chr11-299373-A-G.
Other names: short protein forms S40P.
Identifiers: ClinVar variation 3626519 (VCV003626519.2).
Genomic context (GRCh38, chr11:299,373, plus strand): 5'-AGTAGGCCAGCGCCAGGAAGCCGAGGCAACACAGATTCAGGTAGAGGGTGCTGAACACCG[A>G]CCAGATCAAGTGGTCTCGAGGCGGGGGGTGCGGGGCCCCCAGTGTGAGGGCTGTGTGGGC-3'
Protein context (NP_001020466.1, residues 30-50): HPPPRDHLIW[Ser40Pro]VFSTLYLNLC